The following is an entry in ClinVar:

ClinVar aggregate classification (germline): Likely pathogenic. Review status: criteria provided, single submitter (1 of 4 stars). 2 submissions from 2 submitters: Likely pathogenic (1). 1 of the submissions does not count toward it. Last evaluated 2024-11-19.

Conditions:
Ornithine carbamoyltransferase deficiency (OTCD). Also called: ORNITHINE TRANSCARBAMYLASE DEFICIENCY, HYPERAMMONEMIA DUE TO; ORNITHINE TRANSCARBAMYLASE DEFICIENCY; OTC DEFICIENCY; Ornithine Carbamoyltransferase Deficiency Disease. Identifiers: Orphanet 664, MedGen C0268542, MONDO:0010703, OMIM 311250.

Submissions (2):

Natera, Inc.
Classification: Likely pathogenic for Ornithine transcarbamylase deficiency. Last evaluated: 2024-11-19. Review status: criteria provided, single submitter. Criteria: Natera Variant Classification Schema (03/2026). Collection method: clinical testing. Allele origin: germline.
Comment: The c.1A>G variant in OTC is predicted to result in start loss due to disruption of the initiator methionine. This variant is expected to result in nonsense mediated decay, truncation, or a dysfunctional protein product. This variant is rare in the general population with a frequency below the threshold expected for the associated phenotype(s). Given the available evidence, this variant is classified as Likely Pathogenic.

GenMed Metabolism Lab
Classification: Pathogenic. Review status: no assertion criteria provided. Collection method: not provided. Allele origin: unknown. Not counted in ClinVar's aggregate classification.
ClinVar note: Converted during submission from pathogenic to Pathogenic.

NM_000531.6(OTC):c.1A>G (p.Met1Val)

Gene: OTC (ornithine transcarbamylase; plus strand). Cytogenetic location: Xp11.4.
Variant type: single nucleotide variant.
Coding change: c.1A>G on transcript NM_000531.6 (MANE Select); coding-DNA position 1, A replaced by G.
Protein change: p.Met1Val; changes the start codon (methionine 1).
Molecular consequence: missense variant, initiator codon variant.
Genome position (GRCh38, 1-based): chrX:38,352,697, A>G. VCF-style: chrX-38352697-A-G. GRCh37 (hg19) VCF-style: chrX-38211950-A-G.
Other names: short protein forms M1V.
Identifiers: ClinVar variation 97130 (VCV000097130.4), dbSNP rs67752076, ClinGen allele CA224494.